The following is an entry in ClinVar:

ClinVar aggregate classification (germline): Uncertain significance (1 of 4 stars; one submission).

Conditions:
Idiopathic generalized epilepsy. Also called: EIG; Generalised epilepsy. Identifiers: MedGen C0270850, MONDO:0005579, OMIM 600669.
Hyperaldosteronism, familial, type IV (HALD4). Also called: FH IV; ALDOSTERONISM, PRIMARY, AND HYPERTENSION. Identifiers: Orphanet 642671, MedGen C4310756, MONDO:0014875, OMIM 617027.

Submission:

Labcorp Genetics (formerly Invitae), Labcorp
Classification: Uncertain significance for Idiopathic generalized epilepsy; Hyperaldosteronism, familial, type IV. Last evaluated: 2023-06-24. Review status: criteria provided, single submitter. Criteria: Invitae Variant Classification Sherloc (09022015). Collection method: clinical testing. Allele origin: germline.
Comment: In summary, the available evidence is currently insufficient to determine the role of this variant in disease. Therefore, it has been classified as a Variant of Uncertain Significance. Variants that disrupt the consensus splice site are a relatively common cause of aberrant splicing (PMID: 17576681, 9536098). Algorithms developed to predict the effect of sequence changes on RNA splicing suggest that this variant may create or strengthen a splice site. This variant has not been reported in the literature in individuals affected with CACNA1H-related conditions. This variant is not present in population databases (gnomAD no frequency). This sequence change falls in intron 11 of the CACNA1H gene. It does not directly change the encoded amino acid sequence of the CACNA1H protein. It affects a nucleotide within the consensus splice site.

Literature cited by the submitters: PubMed 17576681; PubMed 9536098.

NM_021098.3(CACNA1H):c.2603+5G>T

Gene: CACNA1H (calcium voltage-gated channel subunit alpha1 H; plus strand). Cytogenetic location: 16p13.3.
Variant type: single nucleotide variant.
Coding change: c.2603+5G>T on transcript NM_021098.3 (MANE Select); 5 bases into the intron after coding-DNA position 2603, G replaced by T.
Molecular consequence: intron variant.
Genome position (GRCh38, 1-based): chr16:1,205,270, G>T. VCF-style: chr16-1205270-G-T. GRCh37 (hg19) VCF-style: chr16-1255270-G-T.
Other names: c.2603+5G>T (NM_001005407.2).
Identifiers: ClinVar variation 2940693 (VCV002940693.3), dbSNP rs1968547662, ClinGen allele CA2740096828.
Genomic context (GRCh38, chr16:1,205,270, plus strand): 5'-CTGGGCTACATCCGGAACCCGTACAACATCTTCGACGGCATCATCGTGGTCATCAGGTGG[G>T]TCCCCACCCTCTCCCCAGGAAGAGGGGCCCGGGAAGCTCCACTCTCTGGCAGAAATCCCA-3'